The following is an entry in ClinVar:

ClinVar aggregate classification (germline): Pathogenic/Likely pathogenic. Review status: criteria provided, multiple submitters, no conflicts (2 of 4 stars). 3 submissions from 3 submitters: Pathogenic (1); Likely pathogenic (1). 1 of the submissions does not count toward it. Last evaluated 2017-10-03.

Conditions:
Developmental and epileptic encephalopathy, 69. Also called: EPILEPTIC ENCEPHALOPATHY, EARLY INFANTILE, 69. Identifiers: MedGen C4748988, MONDO:0032657, OMIM 618285.
Developmental and epileptic encephalopathy. Identifiers: MedGen C5779964, MONDO:0100620.

Submissions (3):

GeneDx
Classification: Likely pathogenic. Last evaluated: 2017-10-03. Review status: criteria provided, single submitter. Criteria: GeneDx Variant Classification (06012015). Collection method: clinical testing. Allele origin: germline. Affected: yes.
Comment: The L228P variant in the CACNA1E gene has not been reported previously as a pathogenic variant, nor as a benign variant, to our knowledge. The L228P variant is not observed in large population cohorts (Lek et al., 2016). The L228P variant is a semi-conservative amino acid substitution, which may impact secondary protein structure as these residues differ in some properties. This substitution occurs at a position that is conserved across species. In silico analysis predicts this variant is probably damaging to the protein structure/function. We interpret L228P as a likely pathogenic variant.

Imagene.me medical diagnostic laboratory, IMAGENE.ME SA
Classification: Pathogenic for Developmental and epileptic encephalopathy, 69. Review status: criteria provided, single submitter. Criteria: IMAGENE.ME Variant Classification SOP 2022. Collection method: clinical testing. Allele origin: de novo. Affected: yes.
Comment: Classified according to the IMAGENE.ME variant classification SOP based on the ACMG guidelines as Pathogenic (P): PS2, PS4_Moderate, PM2, PM1, PP3, PP2, PP5, PP4

Yale Center for Mendelian Genomics, Yale University
Classification: Likely pathogenic for Developmental and epileptic encephalopathy. Last evaluated: 2018-11-01. Review status: no assertion criteria provided. Collection method: literature only. Allele origin: de novo. Affected: yes. Observed: 1 heterozygote. Study: Yale Center for Mendelian Genomics. Not counted in ClinVar's aggregate classification.

Literature cited by the submitters: PubMed 30343943 (cited by Yale Center for Mendelian Genomics, Yale University).

NM_001205293.3(CACNA1E):c.683T>C (p.Leu228Pro)

Gene: CACNA1E (calcium voltage-gated channel subunit alpha1 E; plus strand). Cytogenetic location: 1q25.3.
Variant type: single nucleotide variant.
Coding change: c.683T>C on transcript NM_001205293.3 (MANE Select); coding-DNA position 683, T replaced by C.
Protein change: p.Leu228Pro; replaces leucine 228 with proline.
Molecular consequence: missense variant.
Genome position (GRCh38, 1-based): chr1:181,579,138, T>C. VCF-style: chr1-181579138-T-C. GRCh37 (hg19) VCF-style: chr1-181548274-T-C.
Other names: c.683T>C, p.Leu228Pro (NM_000721.4, NM_001205294.2); short protein forms L228P.
Identifiers: ClinVar variation 452392 (VCV000452392.5), dbSNP rs1553286282, ClinGen allele CA343847057.